The following is an entry in ClinVar:

NM_017570.5(OPLAH):c.1731C>T (p.Phe577=)

Gene: OPLAH (5-oxoprolinase, ATP-hydrolysing; minus strand). Cytogenetic location: 8q24.3.
Variant type: single nucleotide variant.
Coding change: c.1731C>T on transcript NM_017570.5 (MANE Select); coding-DNA position 1731, C replaced by T.
Protein change: p.Phe577=; no amino-acid change (phenylalanine 577 retained).
Molecular consequence: synonymous variant.
Genome position (GRCh38, 1-based): chr8:144,056,731, G>A on the plus strand (C>T on the coding strand, the complement: OPLAH is on the minus strand). VCF-style: chr8-144056731-G-A. GRCh37 (hg19) VCF-style: chr8-145111634-G-A.
Identifiers: ClinVar variation 2114765 (VCV002114765.4), dbSNP rs1835526374, ClinGen allele CA463539687.

ClinVar aggregate classification (germline): Uncertain significance (1 of 4 stars; one submission).

Conditions:
5-Oxoprolinase deficiency (OPLAHD). Also called: 5-OXOPROLINURIA DUE TO 5-OXOPROLINASE DEFICIENCY. Identifiers: Orphanet 33572, MedGen C0268525, MONDO:0009825, OMIM 260005, HP:0040142.

Allele frequency attached by ClinVar (database versions not stated): TOPMed below 0.00001.

Submission:

Labcorp Genetics (formerly Invitae), Labcorp
Classification: Uncertain significance for 5-Oxoprolinase deficiency. Last evaluated: 2024-10-22. Review status: criteria provided, single submitter. Criteria: Invitae Variant Classification Sherloc (09022015). Collection method: clinical testing. Allele origin: germline.
Comment: This sequence change affects codon 577 of the OPLAH mRNA. It is a 'silent' change, meaning that it does not change the encoded amino acid sequence of the OPLAH protein. This variant is not present in population databases (gnomAD no frequency). This variant has not been reported in the literature in individuals affected with OPLAH-related conditions. ClinVar contains an entry for this variant (Variation ID: 2114765). Algorithms developed to predict the effect of sequence changes on RNA splicing suggest that this variant may create or strengthen a splice site. In summary, the available evidence is currently insufficient to determine the role of this variant in disease. Therefore, it has been classified as a Variant of Uncertain Significance.